The following is an entry in ClinVar:

NM_018972.4(GDAP1):c.970C>T (p.Leu324Phe)

Gene: GDAP1 (ganglioside induced differentiation associated protein 1; plus strand). Cytogenetic location: 8q21.11.
Variant type: single nucleotide variant.
Coding change: c.970C>T on transcript NM_018972.4 (MANE Select); coding-DNA position 970, C replaced by T.
Protein change: p.Leu324Phe; replaces leucine 324 with phenylalanine.
Molecular consequence: missense variant. On other transcripts: intron variant (1).
Genome position (GRCh38, 1-based): chr8:74,364,260, C>T. VCF-style: chr8-74364260-C-T. GRCh37 (hg19) VCF-style: chr8-75276495-C-T.
Other names: c.766C>T, p.Leu256Phe (NM_001040875.4); c.643C>T, p.Leu215Phe (NM_001362929.2, NM_001362932.2); c.796C>T, p.Leu266Phe (NM_001362930.2); c.694+1207C>T (NM_001362931.2); short protein forms L215F, L256F, L266F, L324F.
Identifiers: ClinVar variation 659473 (VCV000659473.8), dbSNP rs1176626666, ClinGen allele CA371550649.

ClinVar aggregate classification (germline): Uncertain significance (1 of 4 stars; one submission).

Conditions:
Charcot-Marie-Tooth disease type 4A. Also called: Charcot-Marie-Tooth disease, demyelinating, autosomal recessive, type 4a. Identifiers: Orphanet 99948, MedGen C1859198, MONDO:0008961, OMIM 214400.

Allele frequency attached by ClinVar (database versions not stated): TOPMed below 0.00001.

Submission:

Labcorp Genetics (formerly Invitae), Labcorp
Classification: Uncertain significance for Charcot-Marie-Tooth disease type 4A. Last evaluated: 2018-07-24. Review status: criteria provided, single submitter. Criteria: Invitae Variant Classification Sherloc (09022015). Collection method: clinical testing. Allele origin: germline.
Comment: This sequence change replaces leucine with phenylalanine at codon 324 of the GDAP1 protein (p.Leu324Phe). The leucine residue is highly conserved and there is a small physicochemical difference between leucine and phenylalanine. This variant is not present in population databases (ExAC no frequency). This variant has not been reported in the literature in individuals with GDAP1-related disease. Algorithms developed to predict the effect of missense changes on protein structure and function output the following: SIFT: "Tolerated"; PolyPhen-2: "Benign"; Align-GVGD: "Class C0". The phenylalanine amino acid residue is found in multiple mammalian species, suggesting that this missense change does not adversely affect protein function. These predictions have not been confirmed by published functional studies and their clinical significance is uncertain. In summary, the available evidence is currently insufficient to determine the role of this variant in disease. Therefore, it has been classified as a Variant of Uncertain Significance.